The following is an entry in ClinVar:

ClinVar aggregate classification (germline): Uncertain significance (1 of 4 stars; one submission).

Allele frequency attached by ClinVar (database versions not stated): gnomAD exomes 0.00001; ExAC 0.00002; gnomAD 0.00006; ESP Exome Variant Server 0.00008; TOPMed 0.00008.
gnomAD v4.1: 16 of 1,612,690 alleles (0.00099%); highest among the groups gnomAD compares: African/African-American, 0.021%; no homozygotes.

Submission:

Ambry Genetics
Classification: Uncertain significance. Last evaluated: 2023-08-06. Review status: criteria provided, single submitter. Criteria: Ambry Variant Classification Scheme 2023. Collection method: clinical testing. Allele origin: germline.
Comment: The p.I172V variant (also known as c.514A>G), located in coding exon 5 of the NQO1 gene, results from an A to G substitution at nucleotide position 514. The isoleucine at codon 172 is replaced by valine, an amino acid with highly similar properties. This amino acid position is conserved. In addition, this alteration is predicted to be tolerated by in silico analysis. Since supporting evidence is limited at this time, the clinical significance of this alteration remains unclear.

NM_000903.3(NQO1):c.514A>G (p.Ile172Val)

Gene: NQO1 (NAD(P)H quinone dehydrogenase 1; minus strand). Cytogenetic location: 16q22.1.
Variant type: single nucleotide variant.
Coding change: c.514A>G on transcript NM_000903.3 (MANE Select); coding-DNA position 514, A replaced by G.
Protein change: p.Ile172Val; replaces isoleucine 172 with valine.
Molecular consequence: missense variant. On other transcripts: intron variant (2).
Genome position (GRCh38, 1-based): chr16:69,713,033, T>C on the plus strand (A>G on the coding strand, the complement: NQO1 is on the minus strand). VCF-style: chr16-69713033-T-C. GRCh37 (hg19) VCF-style: chr16-69746936-T-C.
Other names: c.400A>G, p.Ile134Val (NM_001025434.2); c.304-1752A>G (NM_001286137.2); c.418-1752A>G (NM_001025433.2); short protein forms I172V, I134V.
Identifiers: ClinVar variation 1745649 (VCV001745649.3), dbSNP rs150611603, ClinGen allele CA8136194.
Genomic context (GRCh38, chr16:69,713,033, plus strand): 5'-ACAGAGTGAGACTCCGTCTCAAAGAAAAAAAAGAAAAGAAAAGAAAATGAGGTACCTGAA[T>C]TGGCCAGAGAATGACATTCATGTCCCCGTGGATCCCTTGCAGAGAGTACATGGAGCCACT-3'
Protein context (NP_000894.1, residues 162-182): HGDMNVILWP[Ile172Val]QSGILHFCGF